The following is an entry in ClinVar:

NM_006361.6(HOXB13):c.601G>T (p.Asp201Tyr)

Gene: HOXB13 (homeobox B13; minus strand). Cytogenetic location: 17q21.32.
Variant type: single nucleotide variant.
Coding change: c.601G>T on transcript NM_006361.6 (MANE Select); coding-DNA position 601, G replaced by T.
Protein change: p.Asp201Tyr; replaces aspartic acid 201 with tyrosine.
Molecular consequence: missense variant.
Genome position (GRCh38, 1-based): chr17:48,727,993, C>A on the plus strand (G>T on the coding strand, the complement: HOXB13 is on the minus strand). VCF-style: chr17-48727993-C-A. GRCh37 (hg19) VCF-style: chr17-46805355-C-A.
Other names: short protein forms D201Y.
Identifiers: ClinVar variation 690932 (VCV000690932.6), dbSNP rs1597933678, ClinGen allele CA400107093.

ClinVar aggregate classification (germline): Uncertain significance. Review status: criteria provided, single submitter (1 of 4 stars). 2 submissions from 2 submitters: Uncertain significance (1). 1 of the submissions does not count toward it. Last evaluated 2024-08-28.

Conditions:
Prostate cancer, hereditary, 1 (HPC1). Identifiers: Orphanet 1331, MedGen C4722327, MONDO:0011098, OMIM 601518.

Submissions (2):

Labcorp Genetics (formerly Invitae), Labcorp
Classification: Uncertain significance. Last evaluated: 2024-08-28. Review status: criteria provided, single submitter. Criteria: Invitae Variant Classification Sherloc (09022015). Collection method: clinical testing. Allele origin: germline.
Comment: This sequence change replaces aspartic acid, which is acidic and polar, with tyrosine, which is neutral and polar, at codon 201 of the HOXB13 protein (p.Asp201Tyr). This variant also falls at the last nucleotide of exon 1, which is part of the consensus splice site for this exon. This variant is not present in population databases (gnomAD no frequency). This variant has not been reported in the literature in individuals affected with HOXB13-related conditions. ClinVar contains an entry for this variant (Variation ID: 690932). An algorithm developed to predict the effect of missense changes on protein structure and function (PolyPhen-2) suggests that this variant is likely to be disruptive. Variants that disrupt the consensus splice site are a relatively common cause of aberrant splicing (PMID: 17576681, 9536098). Algorithms developed to predict the effect of sequence changes on RNA splicing suggest that this variant may disrupt the consensus splice site. In summary, the available evidence is currently insufficient to determine the role of this variant in disease. Therefore, it has been classified as a Variant of Uncertain Significance.

Laboratory of Virology, Microbiology,  Quality and Medical Biotechnologies, Faculty of Sciences and Techniques - Mohammedia, Hassan II University of Casablanca
Classification: Uncertain significance for Prostate cancer, hereditary, 1. Review status: no assertion criteria provided. Collection method: clinical testing. Allele origin: somatic. Affected: yes. Not counted in ClinVar's aggregate classification.

Literature cited by the submitters: PubMed 17576681 (cited by Labcorp Genetics (formerly Invitae), Labcorp); PubMed 9536098 (cited by Labcorp Genetics (formerly Invitae), Labcorp).